The following is an entry in ClinVar:

NM_002653.5(PITX1):c.201del (p.Glu68fs)

Gene: PITX1 (paired like homeodomain 1; minus strand). Cytogenetic location: 5q31.1.
Variant type: Deletion.
Coding change: c.201del on transcript NM_002653.5 (MANE Select); coding-DNA position 201, one base deleted (C; older notation c.201delC).
Protein change: p.Glu68fs; shifts the reading frame from glutamic acid 68.
Molecular consequence: frameshift variant.
Genome position (GRCh38, 1-based): chr5:135,031,477, G deleted on the plus strand (C on the coding strand, the reverse complement: PITX1 is on the minus strand); the first of 3 consecutive G bases (chr5:135,031,477-135,031,479); deleting any one gives the same sequence. VCF-style (leftmost placement, unchanged base first): chr5-135031476-CG-C. GRCh37 (hg19) VCF-style: chr5-134367166-CG-C.
Other names: short protein forms E68fs.
Identifiers: ClinVar variation 4712825 (VCV004712825.1).

ClinVar aggregate classification (germline): Uncertain significance (1 of 4 stars; one submission).

Submission:

Labcorp Genetics (formerly Invitae), Labcorp
Classification: Uncertain significance. Last evaluated: 2025-02-13. Review status: criteria provided, single submitter. Criteria: Invitae Variant Classification Sherloc (09022015). Collection method: clinical testing. Allele origin: germline.
Comment: This sequence change creates a premature translational stop signal (p.Glu68Argfs*37) in the PITX1 gene. It is expected to result in an absent or disrupted protein product. However, the current clinical and genetic evidence is not sufficient to establish whether loss-of-function variants in PITX1 cause disease. This variant is not present in population databases (gnomAD no frequency). This variant has not been reported in the literature in individuals affected with PITX1-related conditions. In summary, the available evidence is currently insufficient to determine the role of this variant in disease. Therefore, it has been classified as a Variant of Uncertain Significance.